The following is an entry in ClinVar:

NM_001220.5(CAMK2B):c.1226-8C>T

Gene: CAMK2B (calcium/calmodulin dependent protein kinase II beta; minus strand). Cytogenetic location: 7p13.
Variant type: single nucleotide variant.
Coding change: c.1226-8C>T on transcript NM_001220.5 (MANE Select); 8 bases into the intron before coding-DNA position 1226, C replaced by T.
Molecular consequence: intron variant.
Genome position (GRCh38, 1-based): chr7:44,229,509, G>A on the plus strand (C>T on the coding strand, the complement: CAMK2B is on the minus strand). VCF-style: chr7-44229509-G-A. GRCh37 (hg19) VCF-style: chr7-44269108-G-A.
Other names: c.947-8608C>T (NM_172084.3); c.1150+1497C>T (NM_172080.3); c.1036+1497C>T (NM_172083.3); c.1108+1497C>T (NM_172081.3); c.1153+1497C>T (NM_172079.3, NM_172082.3); c.1225+1497C>T (NM_001293170.2, NM_172078.3).
Identifiers: ClinVar variation 1662775 (VCV001662775.10), dbSNP rs370494398, ClinGen allele CA4240409.

ClinVar aggregate classification (germline): Benign/Likely benign. Review status: criteria provided, multiple submitters, no conflicts (2 of 4 stars). 3 submissions from 3 submitters: Benign (1); Likely benign (2). Last evaluated 2025-12-28.

Allele frequency attached by ClinVar (database versions not stated): gnomAD 0.00003 and 0.00007; gnomAD exomes 0.00005 and 0.00015; TOPMed 0.00005; ESP Exome Variant Server 0.00016; 1000 Genomes Project 30x 0.00031; 1000 Genomes Project 0.00040; ExAC 0.00077.
gnomAD v4.1: 73 of 1,385,674 alleles (0.0053%); highest among the groups gnomAD compares: South Asian, 0.071%; 2 homozygotes.

Submissions (3):

Labcorp Genetics (formerly Invitae), Labcorp
Classification: Benign. Last evaluated: 2025-12-28. Review status: criteria provided, single submitter. Criteria: Invitae Variant Classification Sherloc (09022015). Collection method: clinical testing. Allele origin: germline.

Women's Health and Genetics/Laboratory Corporation of America, LabCorp
Classification: Likely benign. Last evaluated: 2025-10-15. Review status: criteria provided, single submitter. Criteria: LabCorp Variant Classification Summary - May 2015. Collection method: clinical testing. Allele origin: germline.
Comment: Variant summary: CAMK2B c.1226-8C>T alters a conserved nucleotide located at a position not widely known to affect splicing. Consensus agreement among computation tools predict no significant impact on normal splicing. However, these predictions have yet to be confirmed by functional studies. The variant allele was found at a frequency of 0.00015 in 52636 control chromosomes. The available data on variant occurrences in the general population are insufficient to allow any conclusion about variant significance. To our knowledge, no occurrence of c.1226-8C>T in individuals affected with CAMK2B-related conditions and no experimental evidence demonstrating its impact on protein function have been reported. ClinVar contains an entry for this variant (Variation ID: 1662775). Based on the evidence outlined above, the variant was classified as likely benign.

Blueprint Genetics
Classification: Likely benign. Last evaluated: 2023-12-19. Review status: criteria provided, single submitter. Criteria: ACMG Guidelines, 2015. Collection method: clinical testing. Allele origin: germline.